The following is an entry in ClinVar:

NM_000558.5(HBA1):c.169A>T (p.Lys57Ter)

Genes: HBA1 (hemoglobin subunit alpha 1; plus strand), LOC106804613 (hemoglobin subunit alpha 1 recombination region; plus strand). Cytogenetic location: 16p13.3.
Variant type: single nucleotide variant.
Coding change: c.169A>T on transcript NM_000558.5 (MANE Select); coding-DNA position 169, A replaced by T.
Protein change: p.Lys57Ter; replaces lysine 57 with a stop codon.
Molecular consequence: nonsense.
Genome position (GRCh38, 1-based): chr16:177,002, A>T. VCF-style: chr16-177002-A-T. GRCh37 (hg19) VCF-style: chr16-227001-A-T.
Other names: short protein forms K57*.
Identifiers: ClinVar variation 4814381 (VCV004814381.1).

ClinVar aggregate classification (germline): Likely pathogenic (1 of 4 stars; one submission).

Conditions:
alpha Thalassemia. Also called: Alpha thalassemia spectrum. Identifiers: Orphanet 846, MedGen C0002312, MONDO:0011399, OMIM 604131.

Submission:

Natera, Inc.
Classification: Likely pathogenic for Alpha thalassemia. Last evaluated: 2025-09-21. Review status: criteria provided, single submitter. Criteria: Natera Variant Classification Schema (03/2026). Collection method: clinical testing. Allele origin: germline.
Comment: The c.169A>T variant in HBA1 is a nonsense variant predicted to introduce a stop codon at amino acid 57. This variant is expected to result in nonsense mediated decay, truncation, or a dysfunctional protein product. This variant is rare in the general population with a frequency below the threshold expected for the associated phenotype(s). Given the available evidence, this variant is classified as Likely Pathogenic.